The following is an entry in ClinVar:

ClinVar aggregate classification (germline): Uncertain significance (1 of 4 stars; one submission).

Conditions:
Familial thoracic aortic aneurysm and aortic dissection (TAAD). Also called: Thoracic aortic aneurysms and dissections. Identifiers: Orphanet 91387, MedGen C4707243, MONDO:0019625.

Submission:

Color Diagnostics, LLC DBA Color Health
Classification: Uncertain significance for Familial thoracic aortic aneurysm and aortic dissection. Last evaluated: 2024-09-17. Review status: criteria provided, single submitter. Criteria: ACMG Guidelines, 2015. Collection method: clinical testing. Allele origin: germline.
Comment: This missense variant replaces glycine with valine at codon 1404 of the COL3A1 protein. Computational prediction suggests that this variant may have deleterious impact on protein structure and function. To our knowledge, functional studies have not been reported for this variant. This variant has not been reported in individuals affected with COL3A1-related disorders in the literature. This variant has not been identified in the general population by the Genome Aggregation Database (gnomAD). The available evidence is insufficient to determine the role of this variant in disease conclusively. Therefore, this variant is classified as a Variant of Uncertain Significance.

NM_000090.4(COL3A1):c.4211G>T (p.Gly1404Val)

Gene: COL3A1 (collagen type III alpha 1 chain; plus strand). Cytogenetic location: 2q32.2.
Variant type: single nucleotide variant.
Coding change: c.4211G>T on transcript NM_000090.4 (MANE Select); coding-DNA position 4211, G replaced by T.
Protein change: p.Gly1404Val; replaces glycine 1404 with valine.
Molecular consequence: missense variant.
Genome position (GRCh38, 1-based): chr2:189,010,847, G>T. VCF-style: chr2-189010847-G-T. GRCh37 (hg19) VCF-style: chr2-189875573-G-T.
Other names: short protein forms G1404V.
Identifiers: ClinVar variation 3894110 (VCV003894110.1).